The following is an entry in ClinVar:

NM_000310.4(PPT1):c.363-5C>T

Gene: PPT1 (palmitoyl-protein thioesterase 1; minus strand). Cytogenetic location: 1p34.2.
Variant type: single nucleotide variant.
Coding change: c.363-5C>T on transcript NM_000310.4 (MANE Select); 5 bases into the intron before coding-DNA position 363, C replaced by T.
Molecular consequence: intron variant.
Genome position (GRCh38, 1-based): chr1:40,091,404, G>A on the plus strand (C>T on the coding strand, the complement: PPT1 is on the minus strand). VCF-style: chr1-40091404-G-A. GRCh37 (hg19) VCF-style: chr1-40557076-G-A.
Other names: c.125-1892C>T (NM_001142604.2); c.363-5C>T (NM_001363695.2).
Identifiers: ClinVar variation 380711 (VCV000380711.18), dbSNP rs112553480, ClinGen allele CA789725.
Genomic context (GRCh38, chr1:40,091,404, plus strand): 5'-CAACCGAGATCAGATTGATCATGGGAGGTGAAGGGCATCTCTGAGCCACTGCCCTCCTAC[G>A]GAATAAAAGGGAGTTTTAGCTCCGACTGTCAGATGGAAATGTATCATCCACAATCAGCAT-3'

ClinVar aggregate classification (germline): Conflicting classifications of pathogenicity. Review status: criteria provided, conflicting classifications (1 of 4 stars). 4 submissions from 4 submitters: Uncertain significance (1); Likely benign (3). Last evaluated 2026-01-12.

Conditions:
Inborn genetic diseases. Identifiers: MedGen C0950123, MeSH D030342.
Neuronal ceroid lipofuscinosis 1 (CLN1). Also called: CEROID LIPOFUSCINOSIS, NEURONAL, 1, VARIABLE AGE AT ONSET; PPT1-Related Neuronal Ceroid-Lipofuscinosis. Identifiers: Orphanet 228329, MedGen C1850451, MONDO:0009744, OMIM 256730.

Allele frequency attached by ClinVar (database versions not stated): gnomAD exomes 0.00006; TOPMed 0.00007; ExAC 0.00008; gnomAD 0.00009; 1000 Genomes Project 30x 0.00016; 1000 Genomes Project 0.00020.
gnomAD v4.1: 142 of 1,610,724 alleles (0.0088%); highest among the groups gnomAD compares: Non-Finnish European, 0.011%; no homozygotes.

Submissions (4):

Labcorp Genetics (formerly Invitae), Labcorp
Classification: Likely benign for Neuronal ceroid lipofuscinosis 1. Last evaluated: 2026-01-12. Review status: criteria provided, single submitter. Criteria: Invitae Variant Classification Sherloc (09022015). Collection method: clinical testing. Allele origin: germline.

Blueprint Genetics
Classification: Likely benign. Last evaluated: 2024-08-12. Review status: criteria provided, single submitter. Criteria: ACMG Guidelines, 2015. Collection method: clinical testing. Allele origin: germline.

GeneDx
Classification: Likely benign. Last evaluated: 2021-01-30. Review status: criteria provided, single submitter. Criteria: GeneDx Variant Classification Process June 2021. Collection method: clinical testing. Allele origin: germline. Affected: yes.

Ambry Genetics
Classification: Uncertain significance for Inborn genetic diseases. Last evaluated: 2019-02-09. Review status: criteria provided, single submitter. Criteria: Ambry Variant Classification Scheme 2023. Collection method: clinical testing. Allele origin: germline.
Comment: The c.363-5C>T intronic variant results from a C to T substitution 5 nucleotides upstream from coding exon 4 in the PPT1 gene. This nucleotide position is not well conserved in available vertebrate species. Using the BDGP and ESEfinder splice site prediction tools, this alteration is not predicted to have any significant effect on this splice acceptor/donor site; however, direct evidence is unavailable. Since supporting evidence is limited at this time, the clinical significance of this alteration remains unclear.